The following is an entry in ClinVar:

ClinVar aggregate classification (germline): Benign (1 of 4 stars; one submission).

Allele frequency attached by ClinVar (database versions not stated): 1000 Genomes Project 0.40895; 1000 Genomes Project 30x 0.41302; gnomAD 0.43237 and 0.43513; TOPMed 0.43266.
gnomAD v4.1: 65,537 of 152,048 alleles (43%); highest among the groups gnomAD compares: African/African-American, 56%; 14,764 homozygotes.

Submission:

GeneDx
Classification: Benign. Last evaluated: 2018-06-14. Review status: criteria provided, single submitter. Criteria: GeneDx Variant Classification (06012015). Collection method: clinical testing. Allele origin: germline. Affected: yes.
Comment: This variant is considered likely benign or benign based on one or more of the following criteria: it is a conservative change, it occurs at a poorly conserved position in the protein, it is predicted to be benign by multiple in silico algorithms, and/or has population frequency not consistent with disease.

NM_000083.3(CLCN1):c.1931-293C>A

Gene: CLCN1 (chloride voltage-gated channel 1; plus strand). Cytogenetic location: 7q34.
Variant type: single nucleotide variant.
Coding change: c.1931-293C>A on transcript NM_000083.3 (MANE Select); 293 bases into the intron before coding-DNA position 1931, C replaced by A.
Molecular consequence: intron variant.
Genome position (GRCh38, 1-based): chr7:143,345,228, C>A. VCF-style: chr7-143345228-C-A. GRCh37 (hg19) VCF-style: chr7-143042321-C-A.
Identifiers: ClinVar variation 668095 (VCV000668095.1), dbSNP rs4726609, ClinGen allele CA12523745.
Genomic context (GRCh38, chr7:143,345,228, plus strand): 5'-TCTCAGCTTATTTGAATGGCTTCTCATGTTTCTTTTTATTTGGACAGCATTGATTAGCCT[C>A]CTTAATTATCAGCTCACCTATCTGAAGTCTATATAAGGCCTCATCAAAATAAGTACAAAT-3'